The following is an entry in ClinVar:

ClinVar aggregate classification (germline): Uncertain significance (1 of 4 stars; one submission).

Conditions:
Hereditary hyperferritinemia with congenital cataracts. Also called: Hereditary hyperferritinemia cataract syndrome; Bonneau-Beaumont syndrome; HYPERFERRITINEMIA WITH OR WITHOUT CATARACT. Identifiers: Orphanet 163, MedGen C1833213, MONDO:0010952, OMIM 600886.
Neuroferritinopathy (NBIA3). Also called: BASAL GANGLIA DISEASE, ADULT-ONSET; NEURODEGENERATION WITH BRAIN IRON ACCUMULATION 3. Identifiers: Orphanet 157846, MedGen C1853578, MONDO:0011638, OMIM 606159.

Allele frequency attached by ClinVar (database versions not stated): gnomAD exomes below 0.00001.

Submission:

Labcorp Genetics (formerly Invitae), Labcorp
Classification: Uncertain significance for Neuroferritinopathy; Hereditary hyperferritinemia with congenital cataracts. Last evaluated: 2021-12-27. Review status: criteria provided, single submitter. Criteria: Invitae Variant Classification Sherloc (09022015). Collection method: clinical testing. Allele origin: germline.
Comment: This sequence change replaces tyrosine, which is neutral and polar, with phenylalanine, which is neutral and non-polar, at codon 24 of the FTL protein (p.Tyr24Phe). This variant is not present in population databases (gnomAD no frequency). This variant has not been reported in the literature in individuals affected with FTL-related conditions. Algorithms developed to predict the effect of missense changes on protein structure and function (SIFT, PolyPhen-2, Align-GVGD) all suggest that this variant is likely to be tolerated. In summary, the available evidence is currently insufficient to determine the role of this variant in disease. Therefore, it has been classified as a Variant of Uncertain Significance.

NM_000146.4(FTL):c.71A>T (p.Tyr24Phe)

Genes: FTL (ferritin light chain; plus strand), LOC130064892 (ATAC-STARR-seq lymphoblastoid active region 14919; plus strand). Cytogenetic location: 19q13.33.
Variant type: single nucleotide variant.
Coding change: c.71A>T on transcript NM_000146.4 (MANE Select); coding-DNA position 71, A replaced by T.
Protein change: p.Tyr24Phe; replaces tyrosine 24 with phenylalanine.
Molecular consequence: missense variant.
Genome position (GRCh38, 1-based): chr19:48,965,578, A>T. VCF-style: chr19-48965578-A-T. GRCh37 (hg19) VCF-style: chr19-49468835-A-T.
Other names: short protein forms Y24F.
Identifiers: ClinVar variation 2061955 (VCV002061955.4), dbSNP rs200879715, ClinGen allele CA309375269.